The following is an entry in ClinVar:

ClinVar aggregate classification (germline): Pathogenic (1 of 4 stars; one submission).

Submission:

Labcorp Genetics (formerly Invitae), Labcorp
Classification: Pathogenic. Last evaluated: 2021-08-12. Review status: criteria provided, single submitter. Criteria: Invitae Variant Classification Sherloc (09022015). Collection method: clinical testing. Allele origin: germline.
Comment: This variant has not been reported in the literature in individuals affected with CNGB3-related conditions. This variant is not present in population databases (ExAC no frequency). This sequence change creates a premature translational stop signal (p.Lys75*) in the CNGB3 gene. It is expected to result in an absent or disrupted protein product. Loss-of-function variants in CNGB3 are known to be pathogenic (PMID: 28795510). For these reasons, this variant has been classified as Pathogenic.

Literature cited by the submitters: PubMed 28795510.

NM_019098.5(CNGB3):c.223A>T (p.Lys75Ter)

Gene: CNGB3 (cyclic nucleotide gated channel subunit beta 3; minus strand). Cytogenetic location: 8q21.3.
Variant type: single nucleotide variant.
Coding change: c.223A>T on transcript NM_019098.5 (MANE Select); coding-DNA position 223, A replaced by T.
Protein change: p.Lys75Ter; replaces lysine 75 with a stop codon.
Molecular consequence: nonsense.
Genome position (GRCh38, 1-based): chr8:86,726,646, T>A on the plus strand (A>T on the coding strand, the complement: CNGB3 is on the minus strand). VCF-style: chr8-86726646-T-A. GRCh37 (hg19) VCF-style: chr8-87738874-T-A.
Other names: short protein forms K75*.
Identifiers: ClinVar variation 1380448 (VCV001380448.6), dbSNP rs1394829489, ClinGen allele CA371456140.